The following is an entry in ClinVar:

ClinVar aggregate classification (germline): Pathogenic (1 of 4 stars; one submission).

Conditions:
Developmental and epileptic encephalopathy, 42 (DEE42A). Also called: DEVELOPMENTAL AND EPILEPTIC ENCEPHALOPATHY 42A; EPILEPTIC ENCEPHALOPATHY, EARLY INFANTILE, 42A; Epileptic encephalopathy, early infantile, 42. Identifiers: MedGen C4310716, MONDO:0014917, OMIM 617106.
Episodic ataxia type 2 (EA2). Also called: ATAXIA, EPISODIC, WITH NYSTAGMUS; ATAXIA, FAMILIAL PAROXYSMAL; CEREBELLAR ATAXIA, PAROXYSMAL, ACETAZOLAMIDE-RESPONSIVE; CEREBELLOPATHY, HEREDITARY PAROXYSMAL; EPISODIC ATAXIA, NYSTAGMUS-ASSOCIATED; ACETAZOLAMIDE-RESPONSIVE HEREDITARY PAROXYSMAL CEREBELLAR ATAXIA. Identifiers: Orphanet 97, MedGen C1720416, MONDO:0007163, OMIM 108500.

Submission:

Labcorp Genetics (formerly Invitae), Labcorp
Classification: Pathogenic for Developmental and epileptic encephalopathy, 42; Episodic ataxia type 2. Last evaluated: 2022-02-20. Review status: criteria provided, single submitter. Criteria: Invitae Variant Classification Sherloc (09022015). Collection method: clinical testing. Allele origin: germline.
Comment: For these reasons, this variant has been classified as Pathogenic. This variant has not been reported in the literature in individuals affected with CACNA1A-related conditions. This variant is not present in population databases (gnomAD no frequency). This sequence change creates a premature translational stop signal (p.Leu527*) in the CACNA1A gene. It is expected to result in an absent or disrupted protein product. Loss-of-function variants in CACNA1A are known to be pathogenic (PMID: 10371528, 19486177, 25735478, 27250579).

Literature cited by the submitters: PubMed 10371528; PubMed 19486177; PubMed 25735478; PubMed 27250579.

NM_001127222.2(CACNA1A):c.1577T>G (p.Leu526Ter)

Gene: CACNA1A (calcium voltage-gated channel subunit alpha1 A; minus strand). Cytogenetic location: 19p13.13.
Variant type: single nucleotide variant.
Coding change: c.1577T>G on transcript NM_001127222.2 (MANE Select); coding-DNA position 1577, T replaced by G.
Protein change: p.Leu526Ter; replaces leucine 526 with a stop codon.
Molecular consequence: nonsense.
Genome position (GRCh38, 1-based): chr19:13,312,760, A>C on the plus strand (T>G on the coding strand, the complement: CACNA1A is on the minus strand). VCF-style: chr19-13312760-A-C. GRCh37 (hg19) VCF-style: chr19-13423574-A-C.
Other names: c.1580T>G, p.Leu527Ter (NM_000068.4, NM_001127221.2, NM_001174080.2 and 1 more transcripts); short protein forms L526*, L527*.
Identifiers: ClinVar variation 1458951 (VCV001458951.6), dbSNP rs2145030772, ClinGen allele CA404345483.